The following is an entry in ClinVar:

NM_000419.5(ITGA2B):c.1999dup (p.Asp667fs)

Gene: ITGA2B (integrin subunit alpha 2b; minus strand). Cytogenetic location: 17q21.31.
Variant type: Duplication.
Coding change: c.1999dup on transcript NM_000419.5 (MANE Select); coding-DNA position 1999, one base duplicated (G; older notation c.1999dupG).
Protein change: p.Asp667fs; shifts the reading frame from aspartic acid 667.
Molecular consequence: frameshift variant.
Genome position (GRCh38, 1-based): chr17:44,378,457, C duplicated on the plus strand (G on the coding strand, the reverse complement: ITGA2B is on the minus strand); the first of 2 consecutive C bases (chr17:44,378,457-44,378,458); duplicating either gives the same sequence. VCF-style (leftmost placement, unchanged base first): chr17-44378456-T-TC. GRCh37 (hg19) VCF-style: chr17-42455824-T-TC.
Other names: NM_000419.5:c.1999dup; short protein forms D667fs.
Identifiers: ClinVar variation 1879026 (VCV001879026.1), dbSNP rs2510077481, ClinGen allele CA2573131753.

ClinVar aggregate classification (germline): Pathogenic (3 of 4 stars; one submission).

Conditions:
Glanzmann thrombasthenia. Also called: PLATELET GLYCOPROTEIN IIb-IIIa DEFICIENCY; BLEEDING DISORDER, PLATELET-TYPE, 2; THROMBASTHENIA OF GLANZMANN AND NAEGELI; Thrombasthenia; Glanzmann's thrombasthenia. Identifiers: Orphanet 849, MedGen C0040015, MONDO:0100326.

Submission:

ClinGen Platelet Disorders Variant Curation Expert Panel, ClinGen
Classification: Pathogenic for Glanzmann thrombasthenia. Last evaluated: 2022-09-20. Review status: reviewed by expert panel. Criteria: ClinGen Platelet ACMG Specifications v2-1. Collection method: curation. Allele origin: germline. Inheritance: Autosomal recessive inheritance.
Comment: The NM_000419.5(ITGA2B):c.1999dup (p.Asp667GlyfsTer11) frameshift variant in exon 20 is predicted to cause a premature stop codon in biologically-relevant-exon 21/30 and is predicted to lead to nonsense mediated decay in a gene in which loss-of-function is an established disease mechanism (PVS1). It has been reported homozygous (PM3_supporting) in at least one GT proband (case 12 in PMID: 32089034) who displayed mucocutaneous bleeding and impaired aggregation with all agonists except ristocetin, which is highly specific for Glanzmann thrombasthenia. Additionally, αIIbβ3 surface expression was 0.2-4%, as measured by flow cytometry (PP4_moderate). This variant is absent from gnomAD v2.1.1 (PM2_Supporting). In summary, based on the available evidence at this time, the variant is classified as pathogenic for GT. GT-specific criteria applied: PVS1, PM2_supporting, PM3_supporting, PP4_moderate.